The following is an entry in ClinVar:

NM_006343.3(MERTK):c.2576A>G (p.Glu859Gly)

Gene: MERTK (MER proto-oncogene, tyrosine kinase; plus strand). Cytogenetic location: 2q13.
Variant type: single nucleotide variant.
Coding change: c.2576A>G on transcript NM_006343.3 (MANE Select); coding-DNA position 2576, A replaced by G.
Protein change: p.Glu859Gly; replaces glutamic acid 859 with glycine.
Molecular consequence: missense variant.
Genome position (GRCh38, 1-based): chr2:112,028,440, A>G. VCF-style: chr2-112028440-A-G. GRCh37 (hg19) VCF-style: chr2-112786017-A-G.
Other names: short protein forms E859G.
Identifiers: ClinVar variation 1524486 (VCV001524486.8), dbSNP rs1677514393, ClinGen allele CA348242629.

ClinVar aggregate classification (germline): Uncertain significance (1 of 4 stars; one submission).

Submission:

Labcorp Genetics (formerly Invitae), Labcorp
Classification: Uncertain significance. Last evaluated: 2025-01-27. Review status: criteria provided, single submitter. Criteria: Invitae Variant Classification Sherloc (09022015). Collection method: clinical testing. Allele origin: germline.
Comment: This sequence change replaces glutamic acid, which is acidic and polar, with glycine, which is neutral and non-polar, at codon 859 of the MERTK protein (p.Glu859Gly). This variant is not present in population databases (gnomAD no frequency). This variant has not been reported in the literature in individuals affected with MERTK-related conditions. ClinVar contains an entry for this variant (Variation ID: 1524486). Invitae Evidence Modeling of protein sequence and biophysical properties (such as structural, functional, and spatial information, amino acid conservation, physicochemical variation, residue mobility, and thermodynamic stability) indicates that this missense variant is not expected to disrupt MERTK protein function with a negative predictive value of 80%. In summary, the available evidence is currently insufficient to determine the role of this variant in disease. Therefore, it has been classified as a Variant of Uncertain Significance.